The following is an entry in ClinVar:

ClinVar aggregate classification (germline): Likely pathogenic (1 of 4 stars; one submission).

Conditions:
Cardiomyopathy, familial restrictive, 3. Identifiers: Orphanet 75249, MedGen C2676271, MONDO:0012900, OMIM 612422.
Hypertrophic cardiomyopathy 2. Also called: TNNT2-Related Familial Hypertrophic Cardiomyopathy. Identifiers: MedGen C1861864, MONDO:0007266, OMIM 115195.
Dilated cardiomyopathy 1D. Identifiers: Orphanet 154, Orphanet 54260, MedGen C1832243, MONDO:0011095, OMIM 601494.

gnomAD v4.1: 2 of 1,614,046 alleles (0.00012%); highest among the groups gnomAD compares: Non-Finnish European, 0.00017%; no homozygotes.

Submission:

Labcorp Genetics (formerly Invitae), Labcorp
Classification: Likely pathogenic for Cardiomyopathy, familial restrictive, 3; Hypertrophic cardiomyopathy 2; Dilated cardiomyopathy 1D. Last evaluated: 2025-10-20. Review status: criteria provided, single submitter. Criteria: Invitae Variant Classification Sherloc (09022015). Collection method: clinical testing. Allele origin: germline.
Comment: This sequence change replaces aspartic acid, which is acidic and polar, with tyrosine, which is neutral and polar, at codon 86 of the TNNT2 protein (p.Asp86Tyr). This variant is not present in population databases (gnomAD no frequency). This missense change has been observed in individual(s) with clinical features of hypertrophic cardiomyopathy (PMID: 27532257, 31006259, 37652022; internal data). This variant is also known as c.286G>T. Invitae Evidence Modeling of protein sequence and biophysical properties (such as structural, functional, and spatial information, amino acid conservation, physicochemical variation, residue mobility, and thermodynamic stability) has been performed for this missense variant. However, the output from this modeling did not meet the statistical confidence thresholds required to predict the impact of this variant on TNNT2 protein function. This variant disrupts the p.Asp86 amino acid residue in TNNT2. Other variant(s) that disrupt this residue have been determined to be pathogenic (PMID: 12860912, 20159828, 25031304, 26914223, 27532257). This suggests that this residue is clinically significant, and that variants that disrupt this residue are likely to be disease-causing. In summary, the currently available evidence indicates that the variant is pathogenic, but additional data are needed to prove that conclusively. Therefore, this variant has been classified as Likely Pathogenic.

Literature cited by the submitters: PubMed 27532257; PubMed 31006259; PubMed 37652022; PubMed 12860912; PubMed 20159828; PubMed 25031304; PubMed 26914223.

NM_001276345.2(TNNT2):c.286G>T (p.Asp96Tyr)

Gene: TNNT2 (troponin T2, cardiac type; minus strand). Cytogenetic location: 1q32.1.
Variant type: single nucleotide variant.
Coding change: c.286G>T on transcript NM_001276345.2 (MANE Select); coding-DNA position 286, G replaced by T.
Protein change: p.Asp96Tyr; replaces aspartic acid 96 with tyrosine.
Molecular consequence: missense variant.
Genome position (GRCh38, 1-based): chr1:201,365,618, C>A on the plus strand (G>T on the coding strand, the complement: TNNT2 is on the minus strand). VCF-style: chr1-201365618-C-A. GRCh37 (hg19) VCF-style: chr1-201334746-C-A.
Other names: c.286G>T, p.Asp96Tyr (NM_000364.4); c.256G>T, p.Asp86Tyr (NM_001001430.3, NM_001001431.3, NM_001276347.2); c.241G>T, p.Asp81Tyr (NM_001001432.3); c.283G>T, p.Asp95Tyr (NM_001276346.2); short protein forms D81Y, D86Y, D95Y, D96Y.
Identifiers: ClinVar variation 4783526 (VCV004783526.1), dbSNP rs1553282768.